The following is an entry in ClinVar:

NM_031885.5(BBS2):c.1800_1801insT (p.Asp601Ter)

Gene: BBS2 (Bardet-Biedl syndrome 2; minus strand). Cytogenetic location: 16q13.
Variant type: Insertion.
Coding change: c.1800_1801insT on transcript NM_031885.5 (MANE Select); coding-DNA positions 1800 to 1801, T inserted.
Protein change: p.Asp601Ter; replaces aspartic acid 601 with a stop codon.
Molecular consequence: nonsense. On other transcripts: non-coding transcript variant (5).
Genome position: GRCh38 VCF-style: chr16-56497076-C-CA. GRCh37 (hg19) VCF-style: chr16-56530988-C-CA.
Other names: c.1800_1801insT, p.Asp601Ter (NM_001377456.1); short protein forms D601*.
Identifiers: ClinVar variation 2861811 (VCV002861811.3), dbSNP rs2543695667, ClinGen allele CA2739266800.

ClinVar aggregate classification (germline): Pathogenic (1 of 4 stars; one submission).

Conditions:
Bardet-Biedl syndrome (BBS). Identifiers: Orphanet 110, MedGen C0752166, MONDO:0015229.

Submission:

Labcorp Genetics (formerly Invitae), Labcorp
Classification: Pathogenic for Bardet-Biedl syndrome. Last evaluated: 2023-11-27. Review status: criteria provided, single submitter. Criteria: Invitae Variant Classification Sherloc (09022015). Collection method: clinical testing. Allele origin: germline.
Comment: This sequence change creates a premature translational stop signal (p.Asp601*) in the BBS2 gene. It is expected to result in an absent or disrupted protein product. Loss-of-function variants in BBS2 are known to be pathogenic (PMID: 11285252, 20177705, 24608809, 26518167). This variant is not present in population databases (gnomAD no frequency). This variant has not been reported in the literature in individuals affected with BBS2-related conditions. For these reasons, this variant has been classified as Pathogenic.

Literature cited by the submitters: PubMed 11285252; PubMed 20177705; PubMed 24608809; PubMed 26518167.